The following is an entry in ClinVar:

NM_018451.5(CPAP):c.1238T>C (p.Phe413Ser)

Gene: CPAP (centrosome assembly and centriole elongation protein; minus strand). Cytogenetic location: 13q12.13.
Variant type: single nucleotide variant.
Coding change: c.1238T>C on transcript NM_018451.5 (MANE Select); coding-DNA position 1238, T replaced by C.
Protein change: p.Phe413Ser; replaces phenylalanine 413 with serine.
Molecular consequence: missense variant. On other transcripts: non-coding transcript variant (2).
Genome position (GRCh38, 1-based): chr13:24,906,800, A>G on the plus strand (T>C on the coding strand, the complement: CPAP is on the minus strand). VCF-style: chr13-24906800-A-G. GRCh37 (hg19) VCF-style: chr13-25480938-A-G.
Other names: short protein forms F413S.
Identifiers: ClinVar variation 3719012 (VCV003719012.2).

ClinVar aggregate classification (germline): Uncertain significance (1 of 4 stars; one submission).

gnomAD v4.1: 12 of 1,614,088 alleles (0.00074%); highest among the groups gnomAD compares: Admixed American, 0.017%; no homozygotes.

Submission:

Labcorp Genetics (formerly Invitae), Labcorp
Classification: Uncertain significance. Last evaluated: 2025-03-17. Review status: criteria provided, single submitter. Criteria: Invitae Variant Classification Sherloc (09022015). Collection method: clinical testing. Allele origin: germline.
Comment: This sequence change replaces phenylalanine, which is neutral and non-polar, with serine, which is neutral and polar, at codon 413 of the CENPJ protein (p.Phe413Ser). This variant is present in population databases (rs748160741, gnomAD 0.02%). This variant has not been reported in the literature in individuals affected with CENPJ-related conditions. Invitae Evidence Modeling of protein sequence and biophysical properties (such as structural, functional, and spatial information, amino acid conservation, physicochemical variation, residue mobility, and thermodynamic stability) indicates that this missense variant is not expected to disrupt CENPJ protein function with a negative predictive value of 80%. In summary, the available evidence is currently insufficient to determine the role of this variant in disease. Therefore, it has been classified as a Variant of Uncertain Significance.